The following is an entry in ClinVar:

NM_000492.4(CFTR):c.675T>A (p.Cys225Ter)

Gene: CFTR (CF transmembrane conductance regulator; plus strand). Cytogenetic location: 7q31.2.
Variant type: single nucleotide variant.
Coding change: c.675T>A on transcript NM_000492.4 (MANE Select); coding-DNA position 675, T replaced by A.
Protein change: p.Cys225Ter; replaces cysteine 225 with a stop codon.
Molecular consequence: nonsense.
Genome position (GRCh38, 1-based): chr7:117,535,343, T>A. VCF-style: chr7-117535343-T-A. GRCh37 (hg19) VCF-style: chr7-117175397-T-A.
Other names: short protein forms C225*.
Identifiers: ClinVar variation 54039 (VCV000054039.5), dbSNP rs397508781, ClinGen allele CA327621.

ClinVar aggregate classification (germline): Pathogenic. Review status: criteria provided, multiple submitters, no conflicts (2 of 4 stars). 3 submissions from 3 submitters: Pathogenic (2). 1 of the submissions does not count toward it. Last evaluated 2024-07-10.

Conditions:
Cystic fibrosis (CF). Also called: MUCOVISCIDOSIS. Identifiers: Orphanet 586, MedGen C0010674, MONDO:0009061, OMIM 219700. Disease mechanism: loss of function.

Submissions (3):

Ambry Genetics
Classification: Pathogenic for Cystic fibrosis. Last evaluated: 2024-07-10. Review status: criteria provided, single submitter. Criteria: Ambry Variant Classification Scheme 2023. Collection method: clinical testing. Allele origin: germline.
Comment: The p.C225* pathogenic mutation (also known as c.675T>A), located in coding exon 6 of the CFTR gene, results from a T to A substitution at nucleotide position 675. This changes the amino acid from a cysteine to a stop codon within coding exon 6. In one study, this mutation was identified in an individual with cystic fibrosis in conjunction with a second CFTR variant (Fichou et al. J Cyst Fibros. 2008;7(2):168-73). In addition to the clinical data presented in the literature, this alteration is expected to result in loss of function by premature protein truncation or nonsense-mediated mRNA decay. As such, this alteration is interpreted as a disease-causing mutation.

Mendelics
Classification: Pathogenic for Cystic fibrosis. Last evaluated: 2018-11-05. Review status: criteria provided, single submitter. Criteria: Mendelics Assertion Criteria 2017. Collection method: clinical testing. Allele origin: unknown. Affected: yes.

ClinVar Staff, National Center for Biotechnology Information (NCBI)
No classification provided. Condition: CFTR-related disorders. Review status: no classification provided. Collection method: literature only. Allele origin: germline. Affected: yes. Not counted in ClinVar's aggregate classification.

Literature cited by the submitters: PubMed 11379874 (cited by ClinVar Staff, National Center for Biotechnology Information (NCBI)).